The following is an entry in ClinVar:

ClinVar aggregate classification (germline): Uncertain significance. Review status: criteria provided, multiple submitters, no conflicts (2 of 4 stars). 2 submissions from 2 submitters: Uncertain significance (2). Last evaluated 2026-01-25.

Conditions:
Treacher Collins syndrome 1 (TCS1). Also called: TCOF1-Related Treacher Collins Syndrome. Identifiers: Orphanet 861, MedGen CN315775, MONDO:0007944, OMIM 154500.
Inborn genetic diseases. Identifiers: MedGen C0950123, MeSH D030342.

Allele frequency attached by ClinVar (database versions not stated): ESP Exome Variant Server 0.00015; gnomAD 0.00002; TOPMed 0.00002.
gnomAD v4.1: 38 of 1,613,752 alleles (0.0024%); highest among the groups gnomAD compares: Non-Finnish European, 0.0031%; no homozygotes.

Submissions (2):

Labcorp Genetics (formerly Invitae), Labcorp
Classification: Uncertain significance for Treacher Collins syndrome 1. Last evaluated: 2026-01-25. Review status: criteria provided, single submitter. Criteria: Invitae Variant Classification Sherloc (09022015). Collection method: clinical testing. Allele origin: germline.
Comment: This sequence change replaces serine, which is neutral and polar, with threonine, which is neutral and polar, at codon 992 of the TCOF1 protein (p.Ser992Thr). This variant is present in population databases (rs374427907, gnomAD 0.005%). This variant has not been reported in the literature in individuals affected with TCOF1-related conditions. ClinVar contains an entry for this variant (Variation ID: 2522440). An algorithm developed to predict the effect of missense changes on protein structure and function outputs the following: PolyPhen-2: "Benign". The threonine amino acid residue is found in multiple mammalian species, which suggests that this missense change does not adversely affect protein function. In summary, the available evidence is currently insufficient to determine the role of this variant in disease. Therefore, it has been classified as a Variant of Uncertain Significance.

Ambry Genetics
Classification: Uncertain significance for Inborn genetic diseases. Last evaluated: 2023-05-30. Review status: criteria provided, single submitter. Criteria: Ambry Variant Classification Scheme 2023. Collection method: clinical testing. Allele origin: germline.

NM_001371623.1(TCOF1):c.2975G>C (p.Ser992Thr)

Gene: TCOF1 (treacle ribosome biogenesis factor 1; plus strand). Cytogenetic location: 5q32.
Variant type: single nucleotide variant.
Coding change: c.2975G>C on transcript NM_001371623.1 (MANE Select); coding-DNA position 2975, G replaced by C.
Protein change: p.Ser992Thr; replaces serine 992 with threonine.
Molecular consequence: missense variant.
Genome position (GRCh38, 1-based): chr5:150,388,017, G>C. VCF-style: chr5-150388017-G-C. GRCh37 (hg19) VCF-style: chr5-149767580-G-C.
Other names: c.2744G>C, p.Ser915Thr (NM_000356.4, NM_001135245.2); c.2975G>C, p.Ser992Thr (NM_001135243.2, NM_001135244.2, NM_001195141.2); short protein forms S992T, S915T.
Identifiers: ClinVar variation 2522440 (VCV002522440.3), dbSNP rs374427907, ClinGen allele CA3511355.